The following is an entry in ClinVar:

ClinVar aggregate classification (germline): Likely pathogenic. Review status: criteria provided, multiple submitters, no conflicts (2 of 4 stars). 3 submissions from 3 submitters: Likely pathogenic (2). 1 of the submissions does not count toward it. Last evaluated 2025-01-19.

Conditions:
RRM1-related disorder.
Progressive external ophthalmoplegia with mitochondrial dna deletions, autosomal recessive 6. Identifiers: MedGen C5882731, MONDO:0957993, OMIM 620647.

Allele frequency attached by ClinVar (database versions not stated): gnomAD exomes below 0.00001; gnomAD 0.00001.

Submissions (3):

3billion
Classification: Likely pathogenic for RRM1-related disorder. Last evaluated: 2025-01-19. Review status: criteria provided, single submitter. Criteria: ACMG Guidelines, 2015. Collection method: clinical testing. Allele origin: unknown. Affected: yes.
Comment: The variant is not observed in the gnomAD v2.1.1 dataset. In silico tool predictions suggest no damaging effect of the variant on gene or gene product (REVEL: 0.26; 3Cnet: 0.01). The same nucleotide change resulting in the same amino acid change has been previously reported as pathogenic/likely pathogenic with strong evidence (ClinVar ID: VCV002444243 / PMID: 35617047). A different missense change at the same codon (p.Arg381Cys) has been reported to be associated with RRM1-related disorder (ClinVar ID: VCV002664486 / PMID: 35617047). Therefore, this variant is classified as likely pathogenic according to the recommendation of ACMG/AMP guideline.

Genomic Medicine Center of Excellence, King Faisal Specialist Hospital and Research Centre
Classification: Likely pathogenic for Progressive external ophthalmoplegia with mitochondrial dna deletions, autosomal recessive 6. Last evaluated: 2024-12-19. Review status: criteria provided, single submitter. Criteria: ACMG Guidelines, 2015. Collection method: clinical testing. Allele origin: germline.

OMIM
Classification: Pathogenic for PROGRESSIVE EXTERNAL OPHTHALMOPLEGIA, AUTOSOMAL RECESSIVE 6. Last evaluated: 2023-12-07. Review status: no assertion criteria provided. Collection method: literature only. Allele origin: germline. Not counted in ClinVar's aggregate classification.

Literature cited by the submitters: PubMed 35617047 (cited by 3billion); Shintaku, J., Pernice, W. M., Eyaid, W., Gc, J. B., Brown, Z. P., Juanola-Falgarona, M., Torres-Torronteras, J., Sommerville, E. W., Hellebrekers, D. M., Blakely, E. L., Donaldson, A., van de Laar, I., and 12 others RRM1 variants cause a mitochondrial DNA maintenance disorder via impaired de novo nucleotide synthesis. J. Clin. Invest. 132: e145660, 2022. (cited by OMIM).

NM_001033.5(RRM1):c.1142G>A (p.Arg381His)

Gene: RRM1 (ribonucleotide reductase catalytic subunit M1; plus strand). Cytogenetic location: 11p15.4.
Variant type: single nucleotide variant.
Coding change: c.1142G>A on transcript NM_001033.5 (MANE Select); coding-DNA position 1142, G replaced by A.
Protein change: p.Arg381His; replaces arginine 381 with histidine.
Molecular consequence: missense variant.
Genome position (GRCh38, 1-based): chr11:4,123,206, G>A. VCF-style: chr11-4123206-G-A. GRCh37 (hg19) VCF-style: chr11-4144436-G-A.
Other names: c.851G>A, p.Arg284His (NM_001318064.1); c.128G>A, p.Arg43His (NM_001318065.1); c.476G>A, p.Arg159His (NM_001330193.1); short protein forms R159H, R284H, R381H, R43H.
Identifiers: ClinVar variation 2444243 (VCV002444243.5), dbSNP rs2094584404, ClinGen allele CA379207299.